The following is an entry in ClinVar:

NM_023110.3(FGFR1):c.2184G>C (p.Glu728Asp)

Gene: FGFR1 (fibroblast growth factor receptor 1; minus strand). Cytogenetic location: 8p11.23.
Variant type: single nucleotide variant.
Coding change: c.2184G>C on transcript NM_023110.3 (MANE Select); coding-DNA position 2184, G replaced by C.
Protein change: p.Glu728Asp; replaces glutamic acid 728 with aspartic acid.
Molecular consequence: missense variant.
Genome position (GRCh38, 1-based): chr8:38,414,154, C>G on the plus strand (G>C on the coding strand, the complement: FGFR1 is on the minus strand). VCF-style: chr8-38414154-C-G. GRCh37 (hg19) VCF-style: chr8-38271672-C-G.
Other names: c.2178G>C, p.Glu726Asp (NM_001174063.2, NM_001174065.2, NM_001354367.2 and 1 more transcripts); c.2154G>C, p.Glu718Asp (NM_001174064.2); c.1917G>C, p.Glu639Asp (NM_001174066.2, NM_023105.3); c.2277G>C, p.Glu759Asp (NM_001174067.2); c.1905G>C, p.Glu635Asp (NM_001354368.2); c.2172G>C, p.Glu724Asp (NM_001354369.2); c.1911G>C, p.Glu637Asp (NM_001354370.2, NM_023106.3); short protein forms E635D, E637D, E639D, E718D, E724D, E726D, E728D, E759D.
Identifiers: ClinVar variation 1700823 (VCV001700823.2), dbSNP rs2150530086, ClinGen allele CA370728334.

ClinVar aggregate classification (germline): Uncertain significance (1 of 4 stars; one submission).

Submission:

GeneDx
Classification: Uncertain significance. Last evaluated: 2022-02-10. Review status: criteria provided, single submitter. Criteria: GeneDx Variant Classification Process June 2021. Collection method: clinical testing. Allele origin: germline. Affected: yes.
Comment: Not observed at significant frequency in large population cohorts (gnomAD); In silico analysis supports that this missense variant does not alter protein structure/function; Has not been previously published as pathogenic or benign to our knowledge